The following is an entry in ClinVar:

ClinVar aggregate classification (germline): Uncertain significance (1 of 4 stars; one submission).

Submission:

Ambry Genetics
Classification: Uncertain significance. Last evaluated: 2024-07-08. Review status: criteria provided, single submitter. Criteria: Ambry Variant Classification Scheme 2023. Collection method: clinical testing. Allele origin: germline.
Comment: The c.316-2A>T intronic variant results from an A to T substitution two nucleotides upstream from coding exon 4 in the RAD51B gene. This nucleotide position is highly conserved in available vertebrate species. In silico splice site analysis predicts that this alteration will weaken the native splice acceptor site and will result in the creation or strengthening of a novel splice acceptor site. Alterations that disrupt the canonical splice site are expected to cause aberrant splicing, resulting in an abnormal protein or a transcript that is subject to nonsense-mediated mRNA decay. The evidence for this gene-disease relationship is limited; therefore, the clinical significance of this alteration is unclear.

NM_133510.4(RAD51B):c.316-2A>T

Gene: RAD51B (RAD51 paralog B; plus strand). Cytogenetic location: 14q24.1.
Variant type: single nucleotide variant.
Coding change: c.316-2A>T on transcript NM_133510.4 (MANE Select); the canonical splice acceptor site of the intron before coding-DNA position 316, A replaced by T.
Molecular consequence: splice acceptor variant.
Genome position (GRCh38, 1-based): chr14:67,865,001, A>T. VCF-style: chr14-67865001-A-T. GRCh37 (hg19) VCF-style: chr14-68331718-A-T.
Other names: c.316-2A>T (NM_001321818.2, NM_001321809.2, NM_001321821.2 and 6 more transcripts); c.-42-2A>T (NM_001321817.2); c.202-2A>T (NM_001321815.1).
Identifiers: ClinVar variation 3429598 (VCV003429598.1).